The following is an entry in ClinVar:

ClinVar aggregate classification (germline): Uncertain significance (1 of 4 stars; one submission).

Submission:

Labcorp Genetics (formerly Invitae), Labcorp
Classification: Uncertain significance. Last evaluated: 2023-10-04. Review status: criteria provided, single submitter. Criteria: Invitae Variant Classification Sherloc (09022015). Collection method: clinical testing. Allele origin: germline.
Comment: This sequence change creates a premature translational stop signal (p.Lys1557*) in the ADCY10 gene. While this is not anticipated to result in nonsense mediated decay, it is expected to disrupt the last 54 amino acid(s) of the ADCY10 protein. This variant is not present in population databases (gnomAD no frequency). This variant has not been reported in the literature in individuals affected with ADCY10-related conditions. Experimental studies and prediction algorithms are not available or were not evaluated, and the functional significance of this variant is currently unknown. In summary, the available evidence is currently insufficient to determine the role of this variant in disease. Therefore, it has been classified as a Variant of Uncertain Significance.

NM_018417.6(ADCY10):c.4669A>T (p.Lys1557Ter)

Gene: ADCY10 (adenylate cyclase 10; minus strand). Cytogenetic location: 1q24.2.
Variant type: single nucleotide variant.
Coding change: c.4669A>T on transcript NM_018417.6 (MANE Select); coding-DNA position 4669, A replaced by T.
Protein change: p.Lys1557Ter; replaces lysine 1557 with a stop codon.
Molecular consequence: nonsense.
Genome position (GRCh38, 1-based): chr1:167,810,727, T>A on the plus strand (A>T on the coding strand, the complement: ADCY10 is on the minus strand). VCF-style: chr1-167810727-T-A. GRCh37 (hg19) VCF-style: chr1-167779964-T-A.
Other names: c.4210A>T, p.Lys1404Ter (NM_001167749.3); c.4393A>T, p.Lys1465Ter (NM_001297772.2); short protein forms K1404*, K1465*, K1557*.
Identifiers: ClinVar variation 2877803 (VCV002877803.3), dbSNP rs1198602139, ClinGen allele CA343092769.